The following is an entry in ClinVar:

NM_015559.3(SETBP1):c.4534G>T (p.Val1512Phe)

Gene: SETBP1 (SET binding protein 1; plus strand). Cytogenetic location: 18q12.3.
Variant type: single nucleotide variant.
Coding change: c.4534G>T on transcript NM_015559.3 (MANE Select); coding-DNA position 4534, G replaced by T.
Protein change: p.Val1512Phe; replaces valine 1512 with phenylalanine.
Molecular consequence: missense variant.
Genome position (GRCh38, 1-based): chr18:45,063,441, G>T. VCF-style: chr18-45063441-G-T. GRCh37 (hg19) VCF-style: chr18-42643406-G-T.
Other names: c.4534G>T, p.Val1512Phe (NM_001379141.1, NM_001379142.1); short protein forms V1512F.
Identifiers: ClinVar variation 1430964 (VCV001430964.8), dbSNP rs2145594193, ClinGen allele CA402483627.

ClinVar aggregate classification (germline): Uncertain significance (1 of 4 stars; one submission).

Submission:

Labcorp Genetics (formerly Invitae), Labcorp
Classification: Uncertain significance. Last evaluated: 2022-08-10. Review status: criteria provided, single submitter. Criteria: Invitae Variant Classification Sherloc (09022015). Collection method: clinical testing. Allele origin: germline.
Comment: In summary, the available evidence is currently insufficient to determine the role of this variant in disease. Therefore, it has been classified as a Variant of Uncertain Significance. Algorithms developed to predict the effect of missense changes on protein structure and function are either unavailable or do not agree on the potential impact of this missense change (SIFT: "Deleterious"; PolyPhen-2: "Probably Damaging"; Align-GVGD: "Class C0"). ClinVar contains an entry for this variant (Variation ID: 1430964). This variant has not been reported in the literature in individuals affected with SETBP1-related conditions. This variant is not present in population databases (gnomAD no frequency). This sequence change replaces valine, which is neutral and non-polar, with phenylalanine, which is neutral and non-polar, at codon 1512 of the SETBP1 protein (p.Val1512Phe).